The following is an entry in ClinVar:

NM_000104.4(CYP1B1):c.1A>G (p.Met1Val)

Gene: CYP1B1 (cytochrome P450 family 1 subfamily B member 1; minus strand). Cytogenetic location: 2p22.2.
Variant type: single nucleotide variant.
Coding change: c.1A>G on transcript NM_000104.4 (MANE Select); coding-DNA position 1, A replaced by G.
Protein change: p.Met1Val; changes the start codon (methionine 1).
Molecular consequence: missense variant, initiator codon variant.
Genome position (GRCh38, 1-based): chr2:38,075,388, T>C on the plus strand (A>G on the coding strand, the complement: CYP1B1 is on the minus strand). VCF-style: chr2-38075388-T-C. GRCh37 (hg19) VCF-style: chr2-38302531-T-C.
Other names: short protein forms M1V.
Identifiers: ClinVar variation 1203967 (VCV001203967.7), dbSNP rs757520959, ClinGen allele CA1620136.
Genomic context (GRCh38, chr2:38,075,388, plus strand): 5'-TCTGCTGGATGGACAGCGGGTTTAGCGGCCAAGGGTCGTTCGGGCTGAGGCTGGTGCCCA[T>C]GCTGGGGACAGAGAGGAGAAGGCGTGACACTCAGGGGTGCAGAGACAGGAGCGGGCGCCC-3'
Protein context (NP_000095.2, residues 1-11): [Met1Val]GTSLSPNDPW

ClinVar aggregate classification (germline): Pathogenic/Likely pathogenic. Review status: criteria provided, multiple submitters, no conflicts (2 of 4 stars). 3 submissions from 3 submitters: Pathogenic (2); Likely pathogenic (1). Last evaluated 2024-08-08.

Conditions:
Primary congenital glaucoma. Also called: Primary congenital glaucoma (disease). Identifiers: MedGen C1533041, MONDO:0000365, HP:0008007.
Congenital glaucoma. Identifiers: MedGen C0020302, MONDO:0020366.

Allele frequency attached by ClinVar (database versions not stated): ExAC 0.00001; gnomAD 0.00001; gnomAD exomes 0.00001; TOPMed 0.00001.

Submissions (3):

Labcorp Genetics (formerly Invitae), Labcorp
Classification: Pathogenic for Congenital glaucoma. Last evaluated: 2024-08-08. Review status: criteria provided, single submitter. Criteria: Invitae Variant Classification Sherloc (09022015). Collection method: clinical testing. Allele origin: germline.
Comment: This sequence change affects the initiator methionine of the CYP1B1 mRNA. The next in-frame methionine is located at codon 132. This variant is present in population databases (rs757520959, gnomAD 0.002%). Disruption of the initiator codon has been observed in individual(s) with primary congenital glaucoma (PMID: 11403040). In at least one individual the data is consistent with being in trans (on the opposite chromosome) from a pathogenic variant. ClinVar contains an entry for this variant (Variation ID: 1203967). This variant disrupts a region of the CYP1B1 protein in which other variant(s) (p.Gly61Glu) have been determined to be pathogenic (PMID: 9463332, 12372064, 19234632). This suggests that this is a clinically significant region of the protein, and that variants that disrupt it are likely to be disease-causing. For these reasons, this variant has been classified as Pathogenic.

Women's Health and Genetics/Laboratory Corporation of America, LabCorp
Classification: Likely pathogenic for Primary congenital glaucoma. Last evaluated: 2022-12-28. Review status: criteria provided, single submitter. Criteria: LabCorp Variant Classification Summary - May 2015. Collection method: clinical testing. Allele origin: germline.
Comment: Variant summary: CYP1B1 c.1A>G (p.Met1?, aka p.Met1Val) alters the initiation codon and is predicted to result either in absence of the protein or truncation of the encoded protein due to translation initiation at a downstream codon. The next potential downstream in-frame start codon (ATG) is located in exon 2 at Met151, however several truncations have been reported upstream of this position (HGMD). In addition, the variant affects the 2nd nucleotide of exon 2, and therefore might affect splicing: 4/4 computational tools predict no significant impact on normal splicing. However, these predictions have not been yet confirmed by functional studies. The variant allele was found at a frequency of 8.2e-06 in 245218 control chromosomes (gnomAD). The available data on variant occurrences in the general population are insufficient to allow any conclusion about variant significance. To our knowledge, no occurrence of c.1A>G in individuals affected with Primary Congenital Glaucoma and no experimental evidence demonstrating its impact on protein function have been reported. However, other variants that disrupt the initiation codon (c.3G>A, c.2T>C) have been reported in compound heterozygous individuals affected with congenital glaucoma (e.g. PMIDs 11403040, 34528698). One clinical diagnostic laboratory has submitted a clinical-significance assessment for this variant to ClinVar after 2014, and classified the variant as pathogenic. Based on the evidence outlined above, the variant was classified as likely pathogenic.

GeneDx
Classification: Pathogenic. Last evaluated: 2019-04-01. Review status: criteria provided, single submitter. Criteria: GeneDx Variant Classification Process June 2021. Collection method: clinical testing. Allele origin: germline. Affected: yes.
Comment: Initiation codon variant in a gene for which loss-of-function is a known mechanism of disease; Not observed at a significant frequency in large population cohorts (Lek et al., 2016); Has not been previously published as pathogenic or benign to our knowledge

Literature cited by the submitters: PubMed 11403040 (cited by Labcorp Genetics (formerly Invitae), Labcorp); PubMed 9463332 (cited by Labcorp Genetics (formerly Invitae), Labcorp); PubMed 12372064 (cited by Labcorp Genetics (formerly Invitae), Labcorp); PubMed 19234632 (cited by Labcorp Genetics (formerly Invitae), Labcorp).